The following is an entry in ClinVar:

NM_000128.4(F11):c.1367del (p.Glu456fs)

Gene: F11 (coagulation factor XI; plus strand). Cytogenetic location: 4q35.2.
Variant type: Deletion.
Coding change: c.1367del on transcript NM_000128.4 (MANE Select); coding-DNA position 1367, one base deleted (A; older notation c.1367delA).
Protein change: p.Glu456fs; shifts the reading frame from glutamic acid 456.
Molecular consequence: frameshift variant.
Genome position (GRCh38, 1-based): chr4:186,285,700, A deleted. VCF-style (leftmost placement, unchanged base first): chr4-186285699-GA-G. GRCh37 (hg19) VCF-style: chr4-187206853-GA-G.
Other names: short protein forms E456fs.
Identifiers: ClinVar variation 2770232 (VCV002770232.3), dbSNP rs2477405647, ClinGen allele CA2697547002.

ClinVar aggregate classification (germline): Pathogenic (1 of 4 stars; one submission).

Submission:

Labcorp Genetics (formerly Invitae), Labcorp
Classification: Pathogenic. Last evaluated: 2023-10-20. Review status: criteria provided, single submitter. Criteria: Invitae Variant Classification Sherloc (09022015). Collection method: clinical testing. Allele origin: germline.
Comment: This sequence change creates a premature translational stop signal (p.Glu456Glyfs*11) in the F11 gene. It is expected to result in an absent or disrupted protein product. Loss-of-function variants in F11 are known to be pathogenic (PMID: 23929304). This variant is not present in population databases (gnomAD no frequency). This variant has not been reported in the literature in individuals affected with F11-related conditions. Algorithms developed to predict the effect of sequence changes on RNA splicing suggest that this variant may disrupt the consensus splice site. For these reasons, this variant has been classified as Pathogenic.

Literature cited by the submitters: PubMed 23929304.